The following is an entry in ClinVar:

ClinVar aggregate classification (germline): Uncertain significance (1 of 4 stars; one submission).

Conditions:
Atrioventricular septal defect 5 (AVSD5). Identifiers: MedGen C3280939, MONDO:0013769, OMIM 614474.

Allele frequency attached by ClinVar (database versions not stated): gnomAD 0.00001; TOPMed below 0.00001; gnomAD exomes 0.00001.
gnomAD v4.1: 16 of 1,388,850 alleles (0.0012%); highest among the groups gnomAD compares: Non-Finnish European, 0.0015%; no homozygotes.

Submission:

Labcorp Genetics (formerly Invitae), Labcorp
Classification: Uncertain significance for Atrioventricular septal defect 5. Last evaluated: 2022-10-01. Review status: criteria provided, single submitter. Criteria: Invitae Variant Classification Sherloc (09022015). Collection method: clinical testing. Allele origin: germline.
Comment: This sequence change replaces histidine, which is basic and polar, with arginine, which is basic and polar, at codon 332 of the GATA6 protein (p.His332Arg). The frequency data for this variant in the population databases is considered unreliable, as metrics indicate poor data quality at this position in the gnomAD database. This variant has not been reported in the literature in individuals affected with GATA6-related conditions. ClinVar contains an entry for this variant (Variation ID: 540133). Advanced modeling of protein sequence and biophysical properties (such as structural, functional, and spatial information, amino acid conservation, physicochemical variation, residue mobility, and thermodynamic stability) performed at Invitae indicates that this missense variant is not expected to disrupt GATA6 protein function. In summary, the available evidence is currently insufficient to determine the role of this variant in disease. Therefore, it has been classified as a Variant of Uncertain Significance.

NM_005257.6(GATA6):c.995A>G (p.His332Arg)

Gene: GATA6 (GATA binding protein 6; plus strand). Cytogenetic location: 18q11.2.
Variant type: single nucleotide variant.
Coding change: c.995A>G on transcript NM_005257.6 (MANE Select); coding-DNA position 995, A replaced by G.
Protein change: p.His332Arg; replaces histidine 332 with arginine.
Molecular consequence: missense variant.
Genome position (GRCh38, 1-based): chr18:22,172,139, A>G. VCF-style: chr18-22172139-A-G. GRCh37 (hg19) VCF-style: chr18-19752100-A-G.
Other names: short protein forms H332R.
Identifiers: ClinVar variation 540133 (VCV000540133.5), dbSNP rs1223505085, ClinGen allele CA401801582.